The following is an entry in ClinVar:

ClinVar aggregate classification (germline): Uncertain significance (1 of 4 stars; one submission).

Conditions:
Pyruvate carboxylase deficiency. Also called: Pyruvate Carboxylase Deficiency Disease; ATAXIA WITH LACTIC ACIDOSIS II; LEIGH NECROTIZING ENCEPHALOPATHY DUE TO PYRUVATE CARBOXYLASE DEFICIENCY; LEIGH SYNDROME DUE TO PYRUVATE CARBOXYLASE DEFICIENCY; PC DEFICIENCY. Identifiers: Orphanet 3008, MedGen C0034341, MONDO:0009949, OMIM 266150.

Submission:

Labcorp Genetics (formerly Invitae), Labcorp
Classification: Uncertain significance for Pyruvate carboxylase deficiency. Last evaluated: 2023-10-13. Review status: criteria provided, single submitter. Criteria: Invitae Variant Classification Sherloc (09022015). Collection method: clinical testing. Allele origin: germline.
Comment: This sequence change replaces lysine, which is basic and polar, with arginine, which is basic and polar, at codon 1061 of the PC protein (p.Lys1061Arg). This variant is not present in population databases (gnomAD no frequency). This variant has not been reported in the literature in individuals affected with PC-related conditions. Advanced modeling of protein sequence and biophysical properties (such as structural, functional, and spatial information, amino acid conservation, physicochemical variation, residue mobility, and thermodynamic stability) performed at Invitae indicates that this missense variant is not expected to disrupt PC protein function. In summary, the available evidence is currently insufficient to determine the role of this variant in disease. Therefore, it has been classified as a Variant of Uncertain Significance.

NM_001040716.2(PC):c.3182A>G (p.Lys1061Arg)

Gene: PC (pyruvate carboxylase; minus strand). Cytogenetic location: 11q13.2.
Variant type: single nucleotide variant.
Coding change: c.3182A>G on transcript NM_001040716.2 (MANE Select); coding-DNA position 3182, A replaced by G.
Protein change: p.Lys1061Arg; replaces lysine 1061 with arginine.
Molecular consequence: missense variant.
Genome position (GRCh38, 1-based): chr11:66,849,336, T>C on the plus strand (A>G on the coding strand, the complement: PC is on the minus strand). VCF-style: chr11-66849336-T-C. GRCh37 (hg19) VCF-style: chr11-66616807-T-C.
Other names: c.3182A>G, p.Lys1061Arg (NM_000920.4, NM_022172.3); short protein forms K1061R.
Identifiers: ClinVar variation 2845827 (VCV002845827.3), dbSNP rs2495390661, ClinGen allele CA381490168.